The following is an entry in ClinVar:

ClinVar aggregate classification (germline): Uncertain significance. Review status: criteria provided, multiple submitters, no conflicts (2 of 4 stars). 2 submissions from 2 submitters: Uncertain significance (2). Last evaluated 2025-08-01.

Conditions:
Inborn genetic diseases. Identifiers: MedGen C0950123, MeSH D030342.

Allele frequency attached by ClinVar (database versions not stated): gnomAD 0.00001; gnomAD exomes 0.00003 and 0.00006.
gnomAD v4.1: 47 of 1,551,390 alleles (0.003%); highest among the groups gnomAD compares: Non-Finnish European, 0.0035%; no homozygotes.

Submissions (2):

Ambry Genetics
Classification: Uncertain significance for Inborn genetic diseases. Last evaluated: 2025-08-01. Review status: criteria provided, single submitter. Criteria: Ambry Variant Classification Scheme 2023. Collection method: clinical testing. Allele origin: germline.

Labcorp Genetics (formerly Invitae), Labcorp
Classification: Uncertain significance. Last evaluated: 2022-01-15. Review status: criteria provided, single submitter. Criteria: Invitae Variant Classification Sherloc (09022015). Collection method: clinical testing. Allele origin: germline.
Comment: This variant has not been reported in the literature in individuals affected with UNC80-related conditions. Algorithms developed to predict the effect of missense changes on protein structure and function are either unavailable or do not agree on the potential impact of this missense change (SIFT: "Not Available"; PolyPhen-2: "Probably Damaging"; Align-GVGD: "Not Available"). In summary, the available evidence is currently insufficient to determine the role of this variant in disease. Therefore, it has been classified as a Variant of Uncertain Significance. This sequence change replaces arginine, which is basic and polar, with histidine, which is basic and polar, at codon 2562 of the UNC80 protein (p.Arg2562His). This variant is present in population databases (rs538813438, gnomAD 0.01%).

NM_001371986.1(UNC80):c.7883G>A (p.Arg2628His)

Gene: UNC80 (unc-80 subunit of NALCN channel complex; plus strand). Cytogenetic location: 2q34.
Variant type: single nucleotide variant.
Coding change: c.7883G>A on transcript NM_001371986.1 (MANE Select); coding-DNA position 7883, G replaced by A.
Protein change: p.Arg2628His; replaces arginine 2628 with histidine.
Molecular consequence: missense variant.
Genome position (GRCh38, 1-based): chr2:209,967,514, G>A. VCF-style: chr2-209967514-G-A. GRCh37 (hg19) VCF-style: chr2-210832238-G-A.
Other names: c.7685G>A (NM_032504.1); c.7685G>A, p.Arg2562His (NM_032504.2); c.7670G>A, p.Arg2557His (NM_182587.4); short protein forms R2628H, R2557H, R2562H.
Identifiers: ClinVar variation 1366636 (VCV001366636.7), dbSNP rs538813438, ClinGen allele CA65045229.